The following is an entry in ClinVar:

NM_015488.5(PNKD):c.185A>G (p.Tyr62Cys)

Gene: PNKD (PNKD metallo-beta-lactamase domain containing; plus strand). Cytogenetic location: 2q35.
Variant type: single nucleotide variant.
Coding change: c.185A>G on transcript NM_015488.5 (MANE Select); coding-DNA position 185, A replaced by G.
Protein change: p.Tyr62Cys; replaces tyrosine 62 with cysteine.
Molecular consequence: missense variant.
Genome position (GRCh38, 1-based): chr2:218,271,498, A>G. VCF-style: chr2-218271498-A-G. GRCh37 (hg19) VCF-style: chr2-219136221-A-G.
Other names: c.185A>G, p.Tyr62Cys (NM_001077399.3); short protein forms Y62C.
Identifiers: ClinVar variation 1517144 (VCV001517144.6), dbSNP rs2106177691, ClinGen allele CA350544822.

ClinVar aggregate classification (germline): Uncertain significance (1 of 4 stars; one submission).

Conditions:
Paroxysmal nonkinesigenic dyskinesia. Also called: Paroxysmal non-kinesigenic dyskinesia. Identifiers: Orphanet 98810, MedGen C1869117, MONDO:0700088.

Submission:

Labcorp Genetics (formerly Invitae), Labcorp
Classification: Uncertain significance for Paroxysmal nonkinesigenic dyskinesia. Last evaluated: 2021-12-02. Review status: criteria provided, single submitter. Criteria: Invitae Variant Classification Sherloc (09022015). Collection method: clinical testing. Allele origin: germline.
Comment: This sequence change replaces tyrosine, which is neutral and polar, with cysteine, which is neutral and slightly polar, at codon 62 of the PNKD protein (p.Tyr62Cys). Algorithms developed to predict the effect of missense changes on protein structure and function are either unavailable or do not agree on the potential impact of this missense change (SIFT: "Deleterious"; PolyPhen-2: "Benign"; Align-GVGD: "Class C0"). This variant has not been reported in the literature in individuals affected with PNKD-related conditions. This variant is not present in population databases (gnomAD no frequency). In summary, the available evidence is currently insufficient to determine the role of this variant in disease. Therefore, it has been classified as a Variant of Uncertain Significance.